The following is an entry in ClinVar:

NM_015346.4(ZFYVE26):c.486G>C (p.Arg162Ser)

Gene: ZFYVE26 (zinc finger FYVE-type containing 26; minus strand). Cytogenetic location: 14q24.1.
Variant type: single nucleotide variant.
Coding change: c.486G>C on transcript NM_015346.4 (MANE Select); coding-DNA position 486, G replaced by C.
Protein change: p.Arg162Ser; replaces arginine 162 with serine.
Molecular consequence: missense variant.
Genome position (GRCh38, 1-based): chr14:67,807,798, C>G on the plus strand (G>C on the coding strand, the complement: ZFYVE26 is on the minus strand). VCF-style: chr14-67807798-C-G. GRCh37 (hg19) VCF-style: chr14-68274515-C-G.
Other names: short protein forms R162S.
Identifiers: ClinVar variation 3642252 (VCV003642252.2).
Genomic context (GRCh38, chr14:67,807,798, plus strand): 5'-AGTACCGTCATCCTCCTCAAGCAGGAGCTCCAGCAGGGCCTGTGCTGGCTGGGGAGACTG[C>G]CTCAGGAGATCCCAGAGCACAGAGACAGCTTCGGAGCTGAGACGAGGAGTCCAGCTCTCC-3'
Protein context (NP_056161.2, residues 152-172): EAVSVLWDLL[Arg162Ser]QSPQPAQALL

ClinVar aggregate classification (germline): Uncertain significance (1 of 4 stars; one submission).

Conditions:
Spastic paraplegia. Identifiers: MedGen C0037772, HP:0001258.

gnomAD v4.1: 12 of 1,614,056 alleles (0.00074%); highest among the groups gnomAD compares: Non-Finnish European, 0.00093%; no homozygotes.

Submission:

Labcorp Genetics (formerly Invitae), Labcorp
Classification: Uncertain significance for Spastic paraplegia. Last evaluated: 2024-03-08. Review status: criteria provided, single submitter. Criteria: Invitae Variant Classification Sherloc (09022015). Collection method: clinical testing. Allele origin: germline.
Comment: This sequence change replaces arginine, which is basic and polar, with serine, which is neutral and polar, at codon 162 of the ZFYVE26 protein (p.Arg162Ser). This variant is present in population databases (no rsID available, gnomAD 0.0009%). This variant has not been reported in the literature in individuals affected with ZFYVE26-related conditions. Algorithms developed to predict the effect of missense changes on protein structure and function output the following: SIFT: "Not Available"; PolyPhen-2: "Benign"; Align-GVGD: "Not Available". The serine amino acid residue is found in multiple mammalian species, which suggests that this missense change does not adversely affect protein function. In summary, the available evidence is currently insufficient to determine the role of this variant in disease. Therefore, it has been classified as a Variant of Uncertain Significance.